The following is an entry in ClinVar:

ClinVar aggregate classification (germline): Likely benign. Review status: criteria provided, multiple submitters, no conflicts (2 of 4 stars). 2 submissions from 2 submitters: Likely benign (2). Last evaluated 2024-12-20.

Allele frequency attached by ClinVar (database versions not stated): TOPMed 0.00001; gnomAD exomes 0.00003; gnomAD 0.00001; ExAC 0.00005.
gnomAD v4.1: 20 of 1,585,994 alleles (0.0013%); highest among the groups gnomAD compares: Admixed American, 0.0034%; no homozygotes.

Submissions (2):

Mayo Clinic Laboratories, Mayo Clinic
Classification: Likely benign. Last evaluated: 2024-12-20. Review status: criteria provided, single submitter. Criteria: ACMG Guidelines, 2015. Collection method: clinical testing. Allele origin: germline. Observed: 1 variant allele.
Comment: BP4, BP7

GeneDx
Classification: Likely benign. Last evaluated: 2020-07-15. Review status: criteria provided, single submitter. Criteria: GeneDx Variant Classification Process June 2021. Collection method: clinical testing. Allele origin: germline. Affected: yes.

NM_172107.4(KCNQ2):c.*6C>T

Gene: KCNQ2 (potassium voltage-gated channel subfamily Q member 2; minus strand). Cytogenetic location: 20q13.33.
Variant type: single nucleotide variant.
Coding change: c.*6C>T on transcript NM_172107.4 (MANE Select); 6 bases downstream of the stop codon, C replaced by T.
Molecular consequence: 3 prime UTR variant.
Genome position (GRCh38, 1-based): chr20:63,406,638, G>A on the plus strand (C>T on the coding strand, the complement: KCNQ2 is on the minus strand). VCF-style: chr20-63406638-G-A. GRCh37 (hg19) VCF-style: chr20-62037991-G-A.
Other names: c.*6C>T (NM_001382235.1, NM_004518.6, NM_172106.3 and 1 more transcripts).
Identifiers: ClinVar variation 1214389 (VCV001214389.4), dbSNP rs746924909, ClinGen allele CA9958049.